The following is an entry in ClinVar:

NM_001128840.3(CACNA1D):c.5439C>T (p.Ser1813=)

Gene: CACNA1D (calcium voltage-gated channel subunit alpha1 D; plus strand). Cytogenetic location: 3p21.1.
Variant type: single nucleotide variant.
Coding change: c.5439C>T on transcript NM_001128840.3 (MANE Select); coding-DNA position 5439, C replaced by T.
Protein change: p.Ser1813=; no amino-acid change (serine 1813 retained).
Molecular consequence: synonymous variant.
Genome position (GRCh38, 1-based): chr3:53,803,426, C>T. VCF-style: chr3-53803426-C-T. GRCh37 (hg19) VCF-style: chr3-53837453-C-T.
Other names: c.5499C>T (NM_000720.3); c.5499C>T, p.Ser1833= (NM_000720.4); c.5367C>T, p.Ser1789= (NM_001128839.3).
Identifiers: ClinVar variation 499508 (VCV000499508.18), dbSNP rs761519681, ClinGen allele CA2455152.

ClinVar aggregate classification (germline): Conflicting classifications of pathogenicity. Review status: criteria provided, conflicting classifications (1 of 4 stars). 5 submissions from 5 submitters: Uncertain significance (1); Likely benign (3). 1 of the submissions does not count toward it. Last evaluated 2025-12-03.

Conditions:
CACNA1D-related disorder.

Allele frequency attached by ClinVar (database versions not stated): gnomAD 0.00004 and 0.00006; TOPMed 0.00010; ExAC 0.00014; gnomAD exomes 0.00014.
gnomAD v4.1: 205 of 1,614,068 alleles (0.013%); highest among the groups gnomAD compares: East Asian, 0.32%; 1 homozygote.

Submissions (5):

Labcorp Genetics (formerly Invitae), Labcorp
Classification: Likely benign. Last evaluated: 2025-12-03. Review status: criteria provided, single submitter. Criteria: Invitae Variant Classification Sherloc (09022015). Collection method: clinical testing. Allele origin: germline.

Blueprint Genetics
Classification: Likely benign. Last evaluated: 2024-10-09. Review status: criteria provided, single submitter. Criteria: ACMG Guidelines, 2015. Collection method: clinical testing. Allele origin: germline.

GeneDx
Classification: Likely benign. Last evaluated: 2021-06-21. Review status: criteria provided, single submitter. Criteria: GeneDx Variant Classification Process June 2021. Collection method: clinical testing. Allele origin: germline. Affected: yes.

Eurofins Ntd Llc (ga)
Classification: Uncertain significance. Last evaluated: 2017-01-20. Review status: criteria provided, single submitter. Criteria: EGL Classification Definitions 2015. Collection method: clinical testing. Allele origin: germline. Observed: 1 variant allele, 1 heterozygote.

PreventionGenetics, part of Exact Sciences
Classification: Likely benign for CACNA1D-related condition. Last evaluated: 2019-08-15. Review status: no assertion criteria provided. Collection method: clinical testing. Allele origin: germline. Not counted in ClinVar's aggregate classification.
Comment: This variant is classified as likely benign based on ACMG/AMP sequence variant interpretation guidelines (Richards et al. 2015 PMID: 25741868, with internal and published modifications).